The following is an entry in ClinVar:

NM_005148.4(UNC119):c.479G>A (p.Arg160His)

Gene: UNC119 (unc-119 lipid binding chaperone; minus strand). Cytogenetic location: 17q11.2.
Variant type: single nucleotide variant.
Coding change: c.479G>A on transcript NM_005148.4 (MANE Select); coding-DNA position 479, G replaced by A.
Protein change: p.Arg160His; replaces arginine 160 with histidine.
Molecular consequence: missense variant.
Genome position (GRCh38, 1-based): chr17:28,547,808, C>T on the plus strand (G>A on the coding strand, the complement: UNC119 is on the minus strand). VCF-style: chr17-28547808-C-T. GRCh37 (hg19) VCF-style: chr17-26874826-C-T.
Other names: c.479G>A (NM_005148.3); c.194G>A, p.Arg65His (NM_001330166.2); c.479G>A, p.Arg160His (NM_054035.2); short protein forms R160H, R65H.
Identifiers: ClinVar variation 1466617 (VCV001466617.7), dbSNP rs986396601, ClinGen allele CA289103743.

ClinVar aggregate classification (germline): Uncertain significance. Review status: criteria provided, multiple submitters, no conflicts (2 of 4 stars). 2 submissions from 2 submitters: Uncertain significance (2). Last evaluated 2025-05-23.

Allele frequency attached by ClinVar (database versions not stated): gnomAD exomes below 0.00001; TOPMed below 0.00001; gnomAD 0.00001.
gnomAD v4.1: 8 of 1,614,042 alleles (0.0005%); highest among the groups gnomAD compares: Admixed American, 0.0017%; no homozygotes.

Submissions (2):

Ambry Genetics
Classification: Uncertain significance. Last evaluated: 2025-05-23. Review status: criteria provided, single submitter. Criteria: Ambry Variant Classification Scheme 2023. Collection method: clinical testing. Allele origin: germline.

Labcorp Genetics (formerly Invitae), Labcorp
Classification: Uncertain significance. Last evaluated: 2022-06-29. Review status: criteria provided, single submitter. Criteria: Invitae Variant Classification Sherloc (09022015). Collection method: clinical testing. Allele origin: germline.
Comment: This variant has not been reported in the literature in individuals affected with UNC119-related conditions. In summary, the available evidence is currently insufficient to determine the role of this variant in disease. Therefore, it has been classified as a Variant of Uncertain Significance. Algorithms developed to predict the effect of missense changes on protein structure and function are either unavailable or do not agree on the potential impact of this missense change (SIFT: "Not Available"; PolyPhen-2: "Possibly Damaging"; Align-GVGD: "Not Available"). This variant is present in population databases (no rsID available, gnomAD 0.004%). This sequence change replaces arginine, which is basic and polar, with histidine, which is basic and polar, at codon 160 of the UNC119 protein (p.Arg160His).